The following is an entry in ClinVar:

NM_014249.4(NR2E3):c.406G>A (p.Glu136Lys)

Gene: NR2E3 (nuclear receptor subfamily 2 group E member 3; plus strand). Cytogenetic location: 15q23.
Variant type: single nucleotide variant.
Coding change: c.406G>A on transcript NM_014249.4 (MANE Select); coding-DNA position 406, G replaced by A.
Protein change: p.Glu136Lys; replaces glutamic acid 136 with lysine.
Molecular consequence: missense variant.
Genome position (GRCh38, 1-based): chr15:71,812,011, G>A. VCF-style: chr15-71812011-G-A. GRCh37 (hg19) VCF-style: chr15-72104351-G-A.
Other names: c.406G>A (NM_014249.2, NM_014249.3); c.406G>A, p.Glu136Lys (NM_016346.4); short protein forms E136K.
Identifiers: ClinVar variation 1962156 (VCV001962156.6), dbSNP rs1257334132, ClinGen allele CA393034097.

ClinVar aggregate classification (germline): Uncertain significance. Review status: criteria provided, multiple submitters, no conflicts (2 of 4 stars). 3 submissions from 3 submitters: Uncertain significance (3). Last evaluated 2026-02-02.

Conditions:
NR2E3-related disorder. Also called: NR2E3-related disorders; NR2E3-related condition. Identifiers: MedGen CN239387.
Inborn genetic diseases. Identifiers: MedGen C0950123, MeSH D030342.

gnomAD v4.1: 11 of 1,555,222 alleles (0.00071%); highest among the groups gnomAD compares: South Asian, 0.0012%; no homozygotes.

Submissions (3):

PreventionGenetics, part of Exact Sciences
Classification: Uncertain significance for NR2E3-related condition. Last evaluated: 2026-02-02. Review status: criteria provided, single submitter. Criteria: ACMG Guidelines, 2015. Collection method: clinical testing. Allele origin: germline.
Comment: The NR2E3 c.406G>A variant is predicted to result in the amino acid substitution p.Glu136Lys. To our knowledge, this variant has not been reported in the literature. This variant is reported in 0.0016% of alleles in individuals of European (Non-Finnish) descent in gnomAD. At this time, the clinical significance of this variant is uncertain due to the absence of conclusive functional and genetic evidence.

Ambry Genetics
Classification: Uncertain significance for Inborn genetic diseases. Last evaluated: 2025-02-13. Review status: criteria provided, single submitter. Criteria: Ambry Variant Classification Scheme 2023. Collection method: clinical testing. Allele origin: germline.

Labcorp Genetics (formerly Invitae), Labcorp
Classification: Uncertain significance. Last evaluated: 2024-12-19. Review status: criteria provided, single submitter. Criteria: Invitae Variant Classification Sherloc (09022015). Collection method: clinical testing. Allele origin: germline.
Comment: This sequence change replaces glutamic acid, which is acidic and polar, with lysine, which is basic and polar, at codon 136 of the NR2E3 protein (p.Glu136Lys). The frequency data for this variant in the population databases is considered unreliable, as metrics indicate poor data quality at this position in the gnomAD database. This variant has not been reported in the literature in individuals affected with NR2E3-related conditions. ClinVar contains an entry for this variant (Variation ID: 1962156). Invitae Evidence Modeling of protein sequence and biophysical properties (such as structural, functional, and spatial information, amino acid conservation, physicochemical variation, residue mobility, and thermodynamic stability) indicates that this missense variant is not expected to disrupt NR2E3 protein function with a negative predictive value of 80%. In summary, the available evidence is currently insufficient to determine the role of this variant in disease. Therefore, it has been classified as a Variant of Uncertain Significance.